The following is an entry in ClinVar:

ClinVar aggregate classification (germline): Benign/Likely benign. Review status: criteria provided, multiple submitters, no conflicts (2 of 4 stars). 6 submissions from 6 submitters: Benign (4); Likely benign (2). Last evaluated 2026-08-01.

Conditions:
Hyperphosphatasia with impaired intellectual development syndrome 2. Also called: Hyperphosphatasia with intellectual disability syndrome 2; GLYCOSYLPHOSPHATIDYLINOSITOL BIOSYNTHESIS DEFECT 6. Identifiers: Orphanet 247262, MedGen C3553637, MONDO:0013882, OMIM 614749.

Allele frequency attached by ClinVar (database versions not stated): 1000 Genomes Project 0.00020; 1000 Genomes Project 30x 0.00016; TOPMed 0.00272; ESP Exome Variant Server 0.00300.
gnomAD v4.1: 6,197 of 1,614,138 alleles (0.38%); highest among the groups gnomAD compares: Non-Finnish European, 0.48%; 15 homozygotes.

Submissions (6):

CeGaT Center for Human Genetics Tuebingen
Classification: Likely benign. Last evaluated: 2026-08-01. Review status: criteria provided, single submitter. Criteria: CeGaT Center For Human Genetics Tuebingen Variant Classification Criteria Version 2. Collection method: clinical testing. Allele origin: germline. Affected: yes. Observed: 13 variant alleles.
Comment: PIGO: BP4, BP7, BS2

Labcorp Genetics (formerly Invitae), Labcorp
Classification: Benign for Hyperphosphatasia with impaired intellectual development syndrome 2. Last evaluated: 2026-01-31. Review status: criteria provided, single submitter. Criteria: Invitae Variant Classification Sherloc (09022015). Collection method: clinical testing. Allele origin: germline.

Athena Diagnostics
Classification: Benign. Last evaluated: 2024-04-22. Review status: criteria provided, single submitter. Criteria: Athena Diagnostics Criteria. Collection method: clinical testing. Allele origin: unknown.

Mayo Clinic Laboratories, Mayo Clinic
Classification: Benign. Last evaluated: 2022-11-03. Review status: criteria provided, single submitter. Criteria: ACMG Guidelines, 2015. Collection method: clinical testing. Allele origin: germline. Observed: 5 variant alleles.
Comment: BS1, BS2, BP4, BP7

GeneDx
Classification: Benign. Last evaluated: 2020-09-23. Review status: criteria provided, single submitter. Criteria: GeneDx Variant Classification Process June 2021. Collection method: clinical testing. Allele origin: germline. Affected: yes.

Illumina Laboratory Services, Illumina
Classification: Likely benign for Hyperphosphatasia with impaired intellectual development syndrome 2. Last evaluated: 2018-01-12. Review status: criteria provided, single submitter. Criteria: ICSL Variant Classification Criteria 13 December 2019. Collection method: clinical testing. Allele origin: germline.
Comment: This variant was observed in the ICSL laboratory as part of a predisposition screen in an ostensibly healthy population. It had not been previously curated by ICSL or reported in the Human Gene Mutation Database (HGMD: prior to June 1st, 2018), and was therefore a candidate for classification through an automated scoring system. Utilizing variant allele frequency, disease prevalence and penetrance estimates, and inheritance mode, an automated score was calculated to assess if this variant is too frequent to cause the disease. Based on the score and internal cut-off values, a variant classified as likely benign is not then subjected to further curation. The score for this variant resulted in a classification of likely benign for this disease.

Literature cited by the submitters: PubMed 32424350 (cited by Athena Diagnostics).

NM_032634.4(PIGO):c.714C>T (p.Gly238=)

Gene: PIGO (phosphatidylinositol glycan anchor biosynthesis class O; minus strand). Cytogenetic location: 9p13.3.
Variant type: single nucleotide variant.
Coding change: c.714C>T on transcript NM_032634.4 (MANE Select); coding-DNA position 714, C replaced by T.
Protein change: p.Gly238=; no amino-acid change (glycine 238 retained).
Molecular consequence: synonymous variant.
Genome position (GRCh38, 1-based): chr9:35,093,966, G>A on the plus strand (C>T on the coding strand, the complement: PIGO is on the minus strand). VCF-style: chr9-35093966-G-A. GRCh37 (hg19) VCF-style: chr9-35093963-G-A.
Other names: p.Gly238=; c.714C>T, p.Gly238= (NM_001201484.2, NM_152850.4).
Identifiers: ClinVar variation 366760 (VCV000366760.56), dbSNP rs148186264, ClinGen allele CA5040858.